The following is an entry in ClinVar:

NM_000070.3(CAPN3):c.1120A>G (p.Lys374Glu)

Gene: CAPN3 (calpain 3; plus strand). Cytogenetic location: 15q15.1.
Variant type: single nucleotide variant.
Coding change: c.1120A>G on transcript NM_000070.3 (MANE Select); coding-DNA position 1120, A replaced by G.
Protein change: p.Lys374Glu; replaces lysine 374 with glutamic acid.
Molecular consequence: missense variant.
Genome position (GRCh38, 1-based): chr15:42,396,804, A>G. VCF-style: chr15-42396804-A-G. GRCh37 (hg19) VCF-style: chr15-42689002-A-G.
Other names: c.1120A>G, p.Lys374Glu (NM_024344.2); c.976A>G, p.Lys326Glu (NM_173087.2); short protein forms K374E, K326E.
Identifiers: ClinVar variation 4764112 (VCV004764112.1).

ClinVar aggregate classification (germline): Uncertain significance (1 of 4 stars; one submission).

Conditions:
Autosomal recessive limb-girdle muscular dystrophy type 2A (LGMDR1). Also called: Limb-girdle muscular dystrophy, type 2A; Calpainopathy; LEYDEN-MOEBIUS MUSCULAR DYSTROPHY; MUSCULAR DYSTROPHY, PELVOFEMORAL; Muscular dystrophy, limb-girdle, type 2A, Amish. Identifiers: Orphanet 267, MedGen C1869123, MONDO:0009675, OMIM 253600. Disease mechanism: loss of function.

Submission:

Labcorp Genetics (formerly Invitae), Labcorp
Classification: Uncertain significance for Autosomal recessive limb-girdle muscular dystrophy type 2A. Last evaluated: 2025-05-21. Review status: criteria provided, single submitter. Criteria: Invitae Variant Classification Sherloc (09022015). Collection method: clinical testing. Allele origin: germline.
Comment: This sequence change replaces lysine, which is basic and polar, with glutamic acid, which is acidic and polar, at codon 374 of the CAPN3 protein (p.Lys374Glu). This variant is not present in population databases (gnomAD no frequency). This variant has not been reported in the literature in individuals affected with CAPN3-related conditions. Invitae Evidence Modeling of protein sequence and biophysical properties (such as structural, functional, and spatial information, amino acid conservation, physicochemical variation, residue mobility, and thermodynamic stability) indicates that this missense variant is not expected to disrupt CAPN3 protein function with a negative predictive value of 80%. In summary, the available evidence is currently insufficient to determine the role of this variant in disease. Therefore, it has been classified as a Variant of Uncertain Significance.